The following is an entry in ClinVar:

NM_023110.3(FGFR1):c.991G>T (p.Val331Phe)

Gene: FGFR1 (fibroblast growth factor receptor 1; minus strand). Cytogenetic location: 8p11.23.
Variant type: single nucleotide variant.
Coding change: c.991G>T on transcript NM_023110.3 (MANE Select); coding-DNA position 991, G replaced by T.
Protein change: p.Val331Phe; replaces valine 331 with phenylalanine.
Molecular consequence: missense variant.
Genome position (GRCh38, 1-based): chr8:38,421,887, C>A on the plus strand (G>T on the coding strand, the complement: FGFR1 is on the minus strand). VCF-style: chr8-38421887-C-A. GRCh37 (hg19) VCF-style: chr8-38279405-C-A.
Other names: c.991G>T, p.Val331Phe (NM_000604.2, NM_001174063.2); c.967G>T, p.Val323Phe (NM_001174064.2); c.985G>T, p.Val329Phe (NM_001174065.2, NM_001354367.2, NM_001354369.2 and 2 more transcripts); c.724G>T, p.Val242Phe (NM_001174066.2, NM_023105.3); c.1084G>T, p.Val362Phe (NM_001174067.2); c.718G>T, p.Val240Phe (NM_001354368.2, NM_001354370.2, NM_023106.3); short protein forms V240F, V242F, V329F, V331F, V323F, V362F.
Identifiers: ClinVar variation 2000190 (VCV002000190.4), dbSNP rs2150756797, ClinGen allele CA370734265.
Genomic context (GRCh38, chr8:38,421,887, plus strand): 5'-GGGAGAGTCCGATAGAGTTACCCGCCAAGCACGTATACTCCCCTGCGTCCTCAAAGGAGA[C>A]ATTTCTTAAGTGAAGCACCTCCATCTCTTTGTCGGTGGTATTAACTCCAGCAGTCTAGAA-3'
Protein context (NP_075598.2, residues 321-341): KEMEVLHLRN[Val331Phe]SFEDAGEYTC

ClinVar aggregate classification (germline): Uncertain significance (1 of 4 stars; one submission).

Conditions:
Hypogonadotropic hypogonadism 2 with or without anosmia (HH2). Also called: HYPOGONADOTROPIC HYPOGONADISM 2 WITHOUT ANOSMIA; HYPOGONADOTROPIC HYPOGONADISM 2 WITH OR WITHOUT ANOSMIA, SUSCEPTIBILITY TO; HYPOGONADOTROPIC HYPOGONADISM 2 WITHOUT ANOSMIA, SUSCEPTIBILITY TO; FGFR1-Related GnRH Deficiency (Kallmann Syndrome 2). Identifiers: Orphanet 478, MedGen C1563720, MONDO:0007844, OMIM 147950. Disease mechanism: loss of function.
Pfeiffer syndrome (ACS5). Also called: ACS V. Identifiers: Orphanet 710, MedGen C0220658, MONDO:0007043, OMIM 101600.

Submission:

Labcorp Genetics (formerly Invitae), Labcorp
Classification: Uncertain significance for Pfeiffer syndrome; Hypogonadotropic hypogonadism 2 with or without anosmia. Last evaluated: 2025-12-20. Review status: criteria provided, single submitter. Criteria: Invitae Variant Classification Sherloc (09022015). Collection method: clinical testing. Allele origin: germline.
Comment: This sequence change replaces valine, which is neutral and non-polar, with phenylalanine, which is neutral and non-polar, at codon 331 of the FGFR1 protein (p.Val331Phe). This variant is not present in population databases (gnomAD no frequency). This missense change has been observed in individual(s) with Kallman syndrome (internal data). ClinVar contains an entry for this variant (Variation ID: 2000190). Invitae Evidence Modeling of protein sequence and biophysical properties (such as structural, functional, and spatial information, amino acid conservation, physicochemical variation, residue mobility, and thermodynamic stability) indicates that this missense variant is expected to disrupt FGFR1 protein function with a positive predictive value of 80%. In summary, the available evidence is currently insufficient to determine the role of this variant in disease. Therefore, it has been classified as a Variant of Uncertain Significance.